The following is an entry in ClinVar:

NM_007227.3(GPR45):c.260G>A (p.Cys87Tyr)

Gene: GPR45 (G protein-coupled receptor 45; plus strand). Cytogenetic location: 2q12.1.
Variant type: single nucleotide variant.
Coding change: c.260G>A on transcript NM_007227.3 (MANE Select); coding-DNA position 260, G replaced by A.
Protein change: p.Cys87Tyr; replaces cysteine 87 with tyrosine.
Molecular consequence: missense variant.
Genome position (GRCh38, 1-based): chr2:105,242,118, G>A. VCF-style: chr2-105242118-G-A. GRCh37 (hg19) VCF-style: chr2-105858575-G-A.
Other names: short protein forms C87Y.
Identifiers: ClinVar variation 2904308 (VCV002904308.3), dbSNP rs1291802702, ClinGen allele CA348099663.

ClinVar aggregate classification (germline): Uncertain significance (1 of 4 stars; one submission).

Allele frequency attached by ClinVar (database versions not stated): gnomAD exomes below 0.00001.

Submission:

Labcorp Genetics (formerly Invitae), Labcorp
Classification: Uncertain significance. Last evaluated: 2026-01-21. Review status: criteria provided, single submitter. Criteria: Invitae Variant Classification Sherloc (09022015). Collection method: clinical testing. Allele origin: germline.
Comment: This sequence change replaces cysteine, which is neutral and slightly polar, with tyrosine, which is neutral and polar, at codon 87 of the GPR45 protein (p.Cys87Tyr). This variant is present in population databases (no rsID available, gnomAD 0.0009%). This variant has not been reported in the literature in individuals affected with GPR45-related conditions. ClinVar contains an entry for this variant (Variation ID: 2904308). An algorithm developed to predict the effect of missense changes on protein structure and function (PolyPhen-2) suggests that this variant is likely to be disruptive. In summary, the available evidence is currently insufficient to determine the role of this variant in disease. Therefore, it has been classified as a Variant of Uncertain Significance.